The following is an entry in ClinVar:

NM_000260.4(MYO7A):c.3374A>G (p.Glu1125Gly)

Gene: MYO7A (myosin VIIA; plus strand). Cytogenetic location: 11q13.5.
Variant type: single nucleotide variant.
Coding change: c.3374A>G on transcript NM_000260.4 (MANE Select); coding-DNA position 3374, A replaced by G.
Protein change: p.Glu1125Gly; replaces glutamic acid 1125 with glycine.
Molecular consequence: missense variant.
Genome position (GRCh38, 1-based): chr11:77,183,156, A>G. VCF-style: chr11-77183156-A-G. GRCh37 (hg19) VCF-style: chr11-76894201-A-G.
Other names: c.3374A>G, p.Glu1125Gly (NM_001127180.2); c.3341A>G, p.Glu1114Gly (NM_001369365.1); short protein forms E1125G, E1114G.
Identifiers: ClinVar variation 2124630 (VCV002124630.4), dbSNP rs2497250840, ClinGen allele CA381945790.

ClinVar aggregate classification (germline): Uncertain significance (1 of 4 stars; one submission).

Submission:

Labcorp Genetics (formerly Invitae), Labcorp
Classification: Uncertain significance. Last evaluated: 2023-07-17. Review status: criteria provided, single submitter. Criteria: Invitae Variant Classification Sherloc (09022015). Collection method: clinical testing. Allele origin: germline.
Comment: In summary, the available evidence is currently insufficient to determine the role of this variant in disease. Therefore, it has been classified as a Variant of Uncertain Significance. This sequence change replaces glutamic acid, which is acidic and polar, with glycine, which is neutral and non-polar, at codon 1125 of the MYO7A protein (p.Glu1125Gly). This variant is not present in population databases (gnomAD no frequency). This variant has not been reported in the literature in individuals affected with MYO7A-related conditions. ClinVar contains an entry for this variant (Variation ID: 2124630). An algorithm developed to predict the effect of missense changes on protein structure and function (PolyPhen-2) suggests that this variant is likely to be disruptive. Algorithms developed to predict the effect of sequence changes on RNA splicing suggest that this variant may disrupt the consensus splice site.